The following is an entry in ClinVar:

ClinVar aggregate classification (germline): Uncertain significance (1 of 4 stars; one submission).

Allele frequency attached by ClinVar (database versions not stated): TOPMed below 0.00001.
gnomAD v4.1: 2 of 1,550,452 alleles (0.00013%); highest among the groups gnomAD compares: Non-Finnish European, 0.00017%; no homozygotes.

Submission:

Labcorp Genetics (formerly Invitae), Labcorp
Classification: Uncertain significance. Last evaluated: 2022-08-01. Review status: criteria provided, single submitter. Criteria: Invitae Variant Classification Sherloc (09022015). Collection method: clinical testing. Allele origin: germline.
Comment: This sequence change replaces threonine, which is neutral and polar, with isoleucine, which is neutral and non-polar, at codon 656 of the EYS protein (p.Thr656Ile). This variant is present in population databases (no rsID available, gnomAD 0.003%). This variant has not been reported in the literature in individuals affected with EYS-related conditions. Algorithms developed to predict the effect of missense changes on protein structure and function (SIFT, PolyPhen-2, Align-GVGD) all suggest that this variant is likely to be tolerated. In summary, the available evidence is currently insufficient to determine the role of this variant in disease. Therefore, it has been classified as a Variant of Uncertain Significance.

NM_001142800.2(EYS):c.1967C>T (p.Thr656Ile)

Gene: EYS (eyes shut homolog; minus strand). Cytogenetic location: 6q12.
Variant type: single nucleotide variant.
Coding change: c.1967C>T on transcript NM_001142800.2 (MANE Select); coding-DNA position 1967, C replaced by T.
Protein change: p.Thr656Ile; replaces threonine 656 with isoleucine.
Molecular consequence: missense variant.
Genome position (GRCh38, 1-based): chr6:65,295,919, G>A on the plus strand (C>T on the coding strand, the complement: EYS is on the minus strand). VCF-style: chr6-65295919-G-A. GRCh37 (hg19) VCF-style: chr6-66005812-G-A.
Other names: c.1967C>T, p.Thr656Ile (NM_001292009.2); short protein forms T656I.
Identifiers: ClinVar variation 2174937 (VCV002174937.1), dbSNP rs1257203855, ClinGen allele CA364659410.
Genomic context (GRCh38, chr6:65,295,919, plus strand): 5'-TTGCCTTTAAATCCTGGGACACACTTGCGGAAGAAATATCCCCTTAAATGTGTACTAGTT[G>A]TTCCATTTTTGCAGGACGCAGATTTGCAGTCTTCAGTATCTATCTCACAGATGTTCCTTT-3'
Protein context (NP_001136272.1, residues 646-666): DCKSASCKNG[Thr656Ile]TSTHLRGYFF